The following is an entry in ClinVar:

ClinVar aggregate classification (germline): Uncertain significance (1 of 4 stars; one submission).

Submission:

GeneDx
Classification: Uncertain significance. Last evaluated: 2025-07-10. Review status: criteria provided, single submitter. Criteria: GeneDx Variant Classification Process June 2021. Collection method: clinical testing. Allele origin: germline.
Comment: Not observed at significant frequency in large population cohorts (gnomAD); In silico analysis suggests that this missense variant does not alter protein structure/function; Has not been previously published as pathogenic or benign to our knowledge

NM_182931.3(KMT2E):c.5025C>G (p.His1675Gln)

Gene: KMT2E (lysine methyltransferase 2E (inactive); plus strand). Cytogenetic location: 7q22.3.
Variant type: single nucleotide variant.
Coding change: c.5025C>G on transcript NM_182931.3 (MANE Select); coding-DNA position 5025, C replaced by G.
Protein change: p.His1675Gln; replaces histidine 1675 with glutamine.
Molecular consequence: missense variant.
Genome position (GRCh38, 1-based): chr7:105,112,781, C>G. VCF-style: chr7-105112781-C-G. GRCh37 (hg19) VCF-style: chr7-104753228-C-G.
Other names: c.4899C>G, p.His1633Gln (NM_001410908.1); c.5025C>G, p.His1675Gln (NM_018682.4); short protein forms H1633Q, H1675Q.
Identifiers: ClinVar variation 1800714 (VCV001800714.2), dbSNP rs2536527068, ClinGen allele CA368794075.